The following is an entry in ClinVar:

ClinVar aggregate classification (germline): Benign/Likely benign. Review status: criteria provided, multiple submitters, no conflicts (2 of 4 stars). 4 submissions from 3 submitters: Benign (2); Likely benign (2). Last evaluated 2023-07-01.

Conditions:
Catecholaminergic polymorphic ventricular tachycardia 1. Also called: RYR2-Related Catecholaminergic Polymorphic Ventricular Tachycardia; VENTRICULAR TACHYCARDIA, CATECHOLAMINERGIC POLYMORPHIC, 1, WITH OR WITHOUT ATRIAL DYSFUNCTION AND/OR DILATED CARDIOMYOPATHY; VENTRICULAR TACHYCARDIA, STRESS-INDUCED POLYMORPHIC 1. Identifiers: Orphanet 3286, MedGen C1631597, MONDO:0011484, OMIM 604772.
Arrhythmogenic right ventricular dysplasia 2. Identifiers: MedGen C1832931.

Allele frequency attached by ClinVar (database versions not stated): 1000 Genomes Project 0.00339; 1000 Genomes Project 30x 0.00359; TOPMed 0.00883; gnomAD 0.00997 and 0.01016; gnomAD exomes 0.01026.
gnomAD v4.1: 1,349 of 132,392 alleles (1%); highest among the groups gnomAD compares: Middle Eastern, 6%; 13 homozygotes.

Submissions (4):

CeGaT Center for Human Genetics Tuebingen
Classification: Benign. Last evaluated: 2023-07-01. Review status: criteria provided, single submitter. Criteria: CeGaT Center For Human Genetics Tuebingen Variant Classification Criteria Version 2. Collection method: clinical testing. Allele origin: germline. Affected: yes. Observed: 48 variant alleles.
Comment: RYR2: BS1, BS2

Illumina Laboratory Services, Illumina
Classification: Benign for Catecholaminergic polymorphic ventricular tachycardia 1. Last evaluated: 2018-01-12. Review status: criteria provided, single submitter. Criteria: ICSL Variant Classification Criteria 13 December 2019. Collection method: clinical testing. Allele origin: germline.
Comment: This variant was observed in the ICSL laboratory as part of a predisposition screen in an ostensibly healthy population. It had not been previously curated by ICSL or reported in the Human Gene Mutation Database (HGMD: prior to June 1st, 2018), and was therefore a candidate for classification through an automated scoring system. Utilizing variant allele frequency, disease prevalence and penetrance estimates, and inheritance mode, an automated score was calculated to assess if this variant is too frequent to cause the disease. Based on the score and internal cut-off values, a variant classified as benign is not then subjected to further curation. The score for this variant resulted in a classification of benign for this disease.

Illumina Laboratory Services, Illumina
Classification: Likely benign for Catecholaminergic polymorphic ventricular tachycardia 1. Last evaluated: 2018-01-12. Review status: criteria provided, single submitter. Criteria: ICSL Variant Classification Criteria 13 December 2019. Collection method: clinical testing. Allele origin: germline.
Comment: This variant was observed in the ICSL laboratory as part of a predisposition screen in an ostensibly healthy population. It had not been previously curated by ICSL or reported in the Human Gene Mutation Database (HGMD: prior to June 1st, 2018), and was therefore a candidate for classification through an automated scoring system. Utilizing variant allele frequency, disease prevalence and penetrance estimates, and inheritance mode, an automated score was calculated to assess if this variant is too frequent to cause the disease. Based on the score and internal cut-off values, a variant classified as likely benign is not then subjected to further curation. The score for this variant resulted in a classification of likely benign for this disease.

Breakthrough Genomics
Classification: Likely benign. Review status: criteria provided, single submitter. Criteria: ACMG Guidelines, 2015. Collection method: not provided. Allele origin: germline. Inheritance: Autosomal dominant inheritance. Affected: yes.

NM_001035.3(RYR2):c.*787C>A

Gene: RYR2 (ryanodine receptor 2; plus strand). Cytogenetic location: 1q43.
Variant type: single nucleotide variant.
Coding change: c.*787C>A on transcript NM_001035.3 (MANE Select); 787 bases downstream of the stop codon, C replaced by A.
Molecular consequence: 3 prime UTR variant.
Genome position (GRCh38, 1-based): chr1:237,833,434, C>A. VCF-style: chr1-237833434-C-A. GRCh37 (hg19) VCF-style: chr1-237996734-C-A.
Other names: c.*787C>A (LRG_402t1).
Identifiers: ClinVar variation 296801 (VCV000296801.37), dbSNP rs143228973, ClinGen allele CA10610768.